The following is an entry in ClinVar:

NC_000019.9:g.(?_11118568)_(11118709_?)del

Gene: SMARCA4 (SWI/SNF related BAF chromatin remodeling complex subunit ATPase 4; plus strand). Cytogenetic location: 19p13.2.
Variant type: Deletion.
Identifiers: ClinVar variation 1418798 (VCV001418798.6).

ClinVar aggregate classification (germline): Pathogenic (1 of 4 stars; one submission).

Conditions:
Rhabdoid tumor predisposition syndrome 2 (RTPS2). Identifiers: Orphanet 231108, Orphanet 69077, MedGen C2750074, MONDO:0013224, OMIM 613325.

Submission:

Labcorp Genetics (formerly Invitae), Labcorp
Classification: Pathogenic for Rhabdoid tumor predisposition syndrome 2. Last evaluated: 2021-04-20. Review status: criteria provided, single submitter. Criteria: Invitae Variant Classification Sherloc (09022015). Collection method: clinical testing. Allele origin: germline.
Comment: For these reasons, this variant has been classified as Pathogenic. This variant has not been reported in the literature in individuals with SMARCA4-related conditions. This variant is a gross deletion of the genomic region encompassing exon(s) 14 of the SMARCA4 gene. This deletion is out-of-frame, and is expected to create a premature translational stop signal and result in an absent or disrupted protein product. Loss-of-function variants in SMARCA4 are known to be pathogenic (PMID: 24658001, 24658002).

Literature cited by the submitters: PubMed 24658001; PubMed 24658002.